The following is an entry in ClinVar:

ClinVar aggregate classification (germline): Benign/Likely benign. Review status: criteria provided, multiple submitters, no conflicts (2 of 4 stars). 6 submissions from 6 submitters: Benign (1); Likely benign (4). 1 of the submissions does not count toward it. Last evaluated 2025-11-26.

Conditions:
PCNT-related disorder. Also called: PCNT-related condition.
Microcephalic osteodysplastic primordial dwarfism type II (MOPD2). Also called: Microcephalic osteodysplastic primordial dwarfism with tooth abnormalities; MOPD II; OSTEODYSPLASTIC PRIMORDIAL DWARFISM, TYPE II. Identifiers: Orphanet 2637, MedGen C0432246, MONDO:0008872, OMIM 210720.

Allele frequency attached by ClinVar (database versions not stated): gnomAD below 0.00001 and 0.00019; TOPMed 0.00004; gnomAD exomes 0.00066; ExAC 0.00073; 1000 Genomes Project 0.00100; 1000 Genomes Project 30x 0.00109.
gnomAD v4.1: 536 of 1,607,072 alleles (0.033%); highest among the groups gnomAD compares: South Asian, 0.56%; 8 homozygotes.

Submissions (6):

Labcorp Genetics (formerly Invitae), Labcorp
Classification: Benign. Last evaluated: 2025-11-26. Review status: criteria provided, single submitter. Criteria: Invitae Variant Classification Sherloc (09022015). Collection method: clinical testing. Allele origin: germline.

Blueprint Genetics
Classification: Likely benign. Last evaluated: 2024-09-27. Review status: criteria provided, single submitter. Criteria: ACMG Guidelines, 2015. Collection method: clinical testing. Allele origin: germline.

GeneDx
Classification: Likely benign. Last evaluated: 2020-09-06. Review status: criteria provided, single submitter. Criteria: GeneDx Variant Classification Process June 2021. Collection method: clinical testing. Allele origin: germline. Affected: yes.

Illumina Laboratory Services, Illumina
Classification: Likely benign for Microcephalic osteodysplastic primordial dwarfism type II. Last evaluated: 2018-01-12. Review status: criteria provided, single submitter. Criteria: ICSL Variant Classification Criteria 13 December 2019. Collection method: clinical testing. Allele origin: germline.
Comment: This variant was observed in the ICSL laboratory as part of a predisposition screen in an ostensibly healthy population. It had not been previously curated by ICSL or reported in the Human Gene Mutation Database (HGMD: prior to June 1st, 2018), and was therefore a candidate for classification through an automated scoring system. Utilizing variant allele frequency, disease prevalence and penetrance estimates, and inheritance mode, an automated score was calculated to assess if this variant is too frequent to cause the disease. Based on the score and internal cut-off values, a variant classified as likely benign is not then subjected to further curation. The score for this variant resulted in a classification of likely benign for this disease.

Genetic Services Laboratory, University of Chicago
Classification: Likely benign. Last evaluated: 2016-07-22. Review status: criteria provided, single submitter. Criteria: ACMG Guidelines, 2015. Collection method: clinical testing. Allele origin: germline. Affected: no.

PreventionGenetics, part of Exact Sciences
Classification: Likely benign for PCNT-related condition. Last evaluated: 2022-02-27. Review status: no assertion criteria provided. Collection method: clinical testing. Allele origin: germline. Not counted in ClinVar's aggregate classification.
Comment: This variant is classified as likely benign based on ACMG/AMP sequence variant interpretation guidelines (Richards et al. 2015 PMID: 25741868, with internal and published modifications).

NM_006031.6(PCNT):c.5982C>G (p.Val1994=)

Gene: PCNT (pericentrin; plus strand). Cytogenetic location: 21q22.3.
Variant type: single nucleotide variant.
Coding change: c.5982C>G on transcript NM_006031.6 (MANE Select); coding-DNA position 5982, C replaced by G.
Protein change: p.Val1994=; no amino-acid change (valine 1994 retained).
Molecular consequence: synonymous variant.
Genome position (GRCh38, 1-based): chr21:46,412,055, C>G. VCF-style: chr21-46412055-C-G. GRCh37 (hg19) VCF-style: chr21-47831969-C-G.
Other names: c.5628C>G, p.Val1876= (NM_001315529.2).
Identifiers: ClinVar variation 436205 (VCV000436205.22), dbSNP rs552463011, ClinGen allele CA10080135.
Genomic context (GRCh38, chr21:46,412,055, plus strand): 5'-CAAGGCCCAGGTCACCGGCGACGTGGAGGCCTCCCATGATGCTGCTTTGGAGCCGGTTGT[C>G]CCTGACCCACAGGTGGGCTCCCCCCGCGGGCCATGGCAGGGTATTTTTTTTTACTCTCCT-3'
Protein context (NP_006022.3, residues 1984-2004): ASHDAALEPV[Val1994=]PDPQGDLQPV